The following is an entry in ClinVar:

ClinVar aggregate classification (germline): Uncertain significance. Review status: criteria provided, multiple submitters, no conflicts (2 of 4 stars). 2 submissions from 2 submitters: Uncertain significance (2). Last evaluated 2026-03-02.

Conditions:
Houge-Janssens syndrome 3. Also called: NEURODEVELOPMENTAL DISORDER AND LANGUAGE DELAY WITH OR WITHOUT STRUCTURAL BRAIN ABNORMALITIES. Identifiers: MedGen C5193048, MONDO:0032697, OMIM 618354.

Submissions (2):

Broad Center for Mendelian Genomics, Broad Institute of MIT and Harvard
Classification: Uncertain significance for Houge-Janssens syndrome 3. Last evaluated: 2026-03-02. Review status: criteria provided, single submitter. Criteria: ACMG Guidelines, 2015. Collection method: research. Allele origin: germline.
Comment: Trio exome analysis showed this variant to be de novo. The p.Ser171Leu variant in PPP2CA has not been previously reported in the literature in individuals with neurodevelopmental disorders and was absent from large population studies. Computational prediction tools and conservation analyses do not provide strong support for or against an impact to the protein. The number of missense variants reported in PPP2CA in the general population is lower than expected, suggesting there is little benign variation in this gene and slightly increasing the possibility that a missense variant in this gene may not be tolerated. In summary, while there is some suspicion for a pathogenic role, the clinical significance of this variant is uncertain. ACMG/AMP Criteria applied: PP2, PM2_supporting, PS2_supporting (Richards 2015).

Labcorp Genetics (formerly Invitae), Labcorp
Classification: Uncertain significance. Last evaluated: 2025-07-16. Review status: criteria provided, single submitter. Criteria: Invitae Variant Classification Sherloc (09022015). Collection method: clinical testing. Allele origin: germline.
Comment: This sequence change replaces serine, which is neutral and polar, with leucine, which is neutral and non-polar, at codon 171 of the PPP2CA protein (p.Ser171Leu). This variant is not present in population databases (gnomAD no frequency). This variant has not been reported in the literature in individuals affected with PPP2CA-related conditions. Invitae Evidence Modeling of protein sequence and biophysical properties (such as structural, functional, and spatial information, amino acid conservation, physicochemical variation, residue mobility, and thermodynamic stability) indicates that this missense variant is expected to disrupt PPP2CA protein function with a positive predictive value of 80%. In summary, the available evidence is currently insufficient to determine the role of this variant in disease. Therefore, it has been classified as a Variant of Uncertain Significance.

NM_002715.4(PPP2CA):c.512C>T (p.Ser171Leu)

Gene: PPP2CA (protein phosphatase 2 catalytic subunit alpha; minus strand). Cytogenetic location: 5q31.1.
Variant type: single nucleotide variant.
Coding change: c.512C>T on transcript NM_002715.4 (MANE Select); coding-DNA position 512, C replaced by T.
Protein change: p.Ser171Leu; replaces serine 171 with leucine.
Molecular consequence: missense variant. On other transcripts: non-coding transcript variant (1).
Genome position (GRCh38, 1-based): chr5:134,201,049, G>A on the plus strand (C>T on the coding strand, the complement: PPP2CA is on the minus strand). VCF-style: chr5-134201049-G-A. GRCh37 (hg19) VCF-style: chr5-133536740-G-A.
Other names: NR_149151.2:n.756C>T; c.317C>T, p.Ser106Leu (NM_001355019.2); short protein forms S106L, S171L.
Identifiers: ClinVar variation 4742767 (VCV004742767.2).